The following is an entry in ClinVar:

ClinVar aggregate classification (germline): Uncertain significance (1 of 4 stars; one submission).

Allele frequency attached by ClinVar (database versions not stated): TOPMed below 0.00001.

Submission:

GeneDx
Classification: Uncertain significance. Last evaluated: 2023-03-03. Review status: criteria provided, single submitter. Criteria: GeneDx Variant Classification Process June 2021. Collection method: clinical testing. Allele origin: germline. Affected: yes.
Comment: Not observed at significant frequency in large population cohorts (gnomAD); In silico analysis supports that this missense variant does not alter protein structure/function; Has not been previously published as pathogenic or benign to our knowledge

NM_014975.3(MAST1):c.4447G>C (p.Glu1483Gln)

Gene: MAST1 (microtubule associated serine/threonine kinase 1; plus strand). Cytogenetic location: 19p13.13.
Variant type: single nucleotide variant.
Coding change: c.4447G>C on transcript NM_014975.3 (MANE Select); coding-DNA position 4447, G replaced by C.
Protein change: p.Glu1483Gln; replaces glutamic acid 1483 with glutamine.
Molecular consequence: missense variant.
Genome position (GRCh38, 1-based): chr19:12,874,604, G>C. VCF-style: chr19-12874604-G-C. GRCh37 (hg19) VCF-style: chr19-12985418-G-C.
Other names: short protein forms E1483Q.
Identifiers: ClinVar variation 2578306 (VCV002578306.1), dbSNP rs1970291351, ClinGen allele CA404292003.